The following is an entry in ClinVar:

ClinVar aggregate classification (germline): Uncertain significance (1 of 4 stars; one submission).

Conditions:
Melanoma, cutaneous malignant, susceptibility to, 5. Also called: Cutaneous malignant melanoma 5. Identifiers: Orphanet 618, MedGen C2751295, MONDO:0013133, OMIM 613099.

Allele frequency attached by ClinVar (database versions not stated): gnomAD exomes 0.00001; TOPMed 0.00003; ESP Exome Variant Server 0.00008; 1000 Genomes Project 30x 0.00016; 1000 Genomes Project 0.00020.

Submission:

Labcorp Genetics (formerly Invitae), Labcorp
Classification: Uncertain significance for Melanoma, cutaneous malignant, susceptibility to, 5. Last evaluated: 2022-05-05. Review status: criteria provided, single submitter. Criteria: Invitae Variant Classification Sherloc (09022015). Collection method: clinical testing. Allele origin: germline.
Comment: This sequence change replaces alanine, which is neutral and non-polar, with threonine, which is neutral and polar, at codon 222 of the MC1R protein (p.Ala222Thr). In summary, the available evidence is currently insufficient to determine the role of this variant in disease. Therefore, it has been classified as a Variant of Uncertain Significance. Algorithms developed to predict the effect of missense changes on protein structure and function output the following: SIFT: "Tolerated"; PolyPhen-2: "Benign"; Align-GVGD: "Class C0". The threonine amino acid residue is found in multiple mammalian species, which suggests that this missense change does not adversely affect protein function. ClinVar contains an entry for this variant (Variation ID: 958044). This variant has not been reported in the literature in individuals affected with MC1R-related conditions. This variant is present in population databases (rs369807854, gnomAD 0.003%).

NM_002386.4(MC1R):c.664G>A (p.Ala222Thr)

Gene: MC1R (melanocortin 1 receptor; plus strand). Cytogenetic location: 16q24.3.
Variant type: single nucleotide variant.
Coding change: c.664G>A on transcript NM_002386.4 (MANE Select); coding-DNA position 664, G replaced by A.
Protein change: p.Ala222Thr; replaces alanine 222 with threonine.
Molecular consequence: missense variant.
Genome position (GRCh38, 1-based): chr16:89,919,922, G>A. VCF-style: chr16-89919922-G-A. GRCh37 (hg19) VCF-style: chr16-89986330-G-A.
Other names: short protein forms A222T.
Identifiers: ClinVar variation 958044 (VCV000958044.10), dbSNP rs369807854, ClinGen allele CA8255702.